The following is an entry in ClinVar:

ClinVar aggregate classification (germline): Benign/Likely benign. Review status: criteria provided, multiple submitters, no conflicts (2 of 4 stars). 4 submissions from 4 submitters: Benign (1); Likely benign (2). 1 of the submissions does not count toward it. Last evaluated 2026-01-20.

Conditions:
CHD7-related disorder. Also called: CHD7-related condition.
Hypogonadotropic hypogonadism 5 with or without anosmia (KAL5). Also called: HYPOGONADOTROPIC HYPOGONADISM 5 WITH ANOSMIA; HYPOGONADOTROPHIC HYPOGONADISM 5 WITHOUT ANOSMIA; CHD7-Related GnRH Deficiency (Kallmann Syndrome 5). Identifiers: Orphanet 478, MedGen C3552553, MONDO:0012880, OMIM 612370. Disease mechanism: loss of function.
CHARGE syndrome (CHARGE). Also called: CHARGE ASSOCIATION--COLOBOMA, HEART ANOMALY, CHOANAL ATRESIA, RETARDATION, GENITAL AND EAR ANOMALIES; Coloboma, heart anomaly, choanal atresia, retardation, genital and ear anomalies; CHARGE association; Hall-Hittner syndrome; Hittner Hirsch Kreh syndrome. Identifiers: Orphanet 138, MedGen C0265354, MONDO:0008965.

Allele frequency attached by ClinVar (database versions not stated): gnomAD 0.00002 and 0.00003; TOPMed 0.00004; gnomAD exomes 0.00005 and 0.00014; ExAC 0.00018.
gnomAD v4.1: 73 of 1,613,130 alleles (0.0045%); highest among the groups gnomAD compares: East Asian, 0.16%; 1 homozygote.

Submissions (4):

Labcorp Genetics (formerly Invitae), Labcorp
Classification: Benign for CHARGE syndrome. Last evaluated: 2026-01-20. Review status: criteria provided, single submitter. Criteria: Invitae Variant Classification Sherloc (09022015). Collection method: clinical testing. Allele origin: germline.

Women's Health and Genetics/Laboratory Corporation of America, LabCorp
Classification: Likely benign. Last evaluated: 2023-04-09. Review status: criteria provided, single submitter. Criteria: LabCorp Variant Classification Summary - May 2015. Collection method: clinical testing. Allele origin: germline.

Illumina Laboratory Services, Illumina
Classification: Likely benign for Kallmann Syndrome 5. Last evaluated: 2018-01-13. Review status: criteria provided, single submitter. Criteria: ICSL Variant Classification Criteria 13 December 2019. Collection method: clinical testing. Allele origin: germline.
Comment: This variant was observed in the ICSL laboratory as part of a predisposition screen in an ostensibly healthy population. It had not been previously curated by ICSL or reported in the Human Gene Mutation Database (HGMD: prior to June 1st, 2018), and was therefore a candidate for classification through an automated scoring system. Utilizing variant allele frequency, disease prevalence and penetrance estimates, and inheritance mode, an automated score was calculated to assess if this variant is too frequent to cause the disease. Based on the score and internal cut-off values, a variant classified as likely benign is not then subjected to further curation. The score for this variant resulted in a classification of likely benign for this disease.

PreventionGenetics, part of Exact Sciences
Classification: Likely benign for CHD7-related condition. Last evaluated: 2022-09-08. Review status: no assertion criteria provided. Collection method: clinical testing. Allele origin: germline. Not counted in ClinVar's aggregate classification.
Comment: This variant is classified as likely benign based on ACMG/AMP sequence variant interpretation guidelines (Richards et al. 2015 PMID: 25741868, with internal and published modifications).

NM_017780.4(CHD7):c.2824A>G (p.Thr942Ala)

Gene: CHD7 (chromodomain helicase DNA binding protein 7; plus strand). Cytogenetic location: 8q12.2.
Variant type: single nucleotide variant.
Coding change: c.2824A>G on transcript NM_017780.4 (MANE Select); coding-DNA position 2824, A replaced by G.
Protein change: p.Thr942Ala; replaces threonine 942 with alanine.
Molecular consequence: missense variant. On other transcripts: intron variant (1).
Genome position (GRCh38, 1-based): chr8:60,821,916, A>G. VCF-style: chr8-60821916-A-G. GRCh37 (hg19) VCF-style: chr8-61734475-A-G.
Other names: c.1717-40313A>G (NM_001316690.1); short protein forms T942A.
Identifiers: ClinVar variation 363457 (VCV000363457.12), dbSNP rs370194460, ClinGen allele CA4759821.